The following is an entry in ClinVar:

ClinVar aggregate classification (germline): Uncertain significance (1 of 4 stars; one submission).

Allele frequency attached by ClinVar (database versions not stated): gnomAD exomes below 0.00001.

Submission:

Ambry Genetics
Classification: Uncertain significance. Last evaluated: 2023-07-18. Review status: criteria provided, single submitter. Criteria: Ambry Variant Classification Scheme 2023. Collection method: clinical testing. Allele origin: germline.
Comment: The p.L392F variant (also known as c.1176G>T), located in coding exon 8 of the IDH1 gene, results from a G to T substitution at nucleotide position 1176. The leucine at codon 392 is replaced by phenylalanine, an amino acid with highly similar properties. This amino acid position is conserved. In addition, the in silico prediction for this alteration is inconclusive. Since supporting evidence is limited at this time, the clinical significance of this alteration remains unclear.

NM_005896.4(IDH1):c.1176G>T (p.Leu392Phe)

Gene: IDH1 (isocitrate dehydrogenase (NADP(+)) 1; minus strand). Cytogenetic location: 2q34.
Variant type: single nucleotide variant.
Coding change: c.1176G>T on transcript NM_005896.4 (MANE Select); coding-DNA position 1176, G replaced by T.
Protein change: p.Leu392Phe; replaces leucine 392 with phenylalanine.
Molecular consequence: missense variant.
Genome position (GRCh38, 1-based): chr2:208,237,148, C>A on the plus strand (G>T on the coding strand, the complement: IDH1 is on the minus strand). VCF-style: chr2-208237148-C-A. GRCh37 (hg19) VCF-style: chr2-209101872-C-A.
Other names: c.1176G>T, p.Leu392Phe (NM_001282386.1, NM_001282387.1); short protein forms L392F.
Identifiers: ClinVar variation 1740883 (VCV001740883.3), dbSNP rs1430194405, ClinGen allele CA350093631.
Genomic context (GRCh38, chr2:208,237,148, plus strand): 5'-GGCCTGAGCTAGTTTGATCTTCAAGTTTTCTCCAAGTTTATCCATGAACTCAAATGTATT[C>A]AAGTAGTCAGAACGTTGCACACTAACGGGAAGGAAAAAAAAAAGAAAATTTAGTTGGTCT-3'
Protein context (NP_005887.2, residues 382-402): GLPNVQRSDY[Leu392Phe]NTFEFMDKLG